The following is an entry in ClinVar:

ClinVar aggregate classification (germline): Likely pathogenic (0 of 4 stars; one submission).

Conditions:
TTC8-related disorder. Also called: TTC8-related condition.

Submission:

PreventionGenetics, part of Exact Sciences
Classification: Likely pathogenic for TTC8-related condition. Last evaluated: 2024-03-29. Review status: no assertion criteria provided. Collection method: clinical testing. Allele origin: germline.
Comment: The TTC8 c.54delG variant is predicted to result in a frameshift and premature protein termination (p.Lys19Serfs*35). To our knowledge, this variant has not been reported in the literature or in a large population database, indicating this variant is rare. Frameshift variants in TTC8 are expected to be pathogenic. This variant is interpreted as likely pathogenic.

NM_144596.4(TTC8):c.54del (p.Lys19fs)

Gene: TTC8 (tetratricopeptide repeat domain 8; plus strand). Cytogenetic location: 14q31.3.
Variant type: Deletion.
Coding change: c.54del on transcript NM_144596.4 (MANE Select); coding-DNA position 54, one base deleted (G; older notation c.54delG).
Protein change: p.Lys19fs; shifts the reading frame from lysine 19.
Molecular consequence: frameshift variant. On other transcripts: 5 prime UTR variant (2), non-coding transcript variant (1).
Genome position (GRCh38, 1-based): chr14:88,824,761, G deleted; the last of 2 consecutive G bases (chr14:88,824,760-88,824,761); deleting either gives the same sequence. VCF-style (leftmost placement, unchanged base first): chr14-88824759-AG-A. GRCh37 (hg19) VCF-style: chr14-89291103-AG-A.
Other names: c.54del, p.Lys19fs (NM_001288781.1, NM_001366535.2, NM_001366536.2 and 2 more transcripts); c.-509del (NM_001288782.1); c.-604del (NM_001288783.1); short protein forms K19fs.
Identifiers: ClinVar variation 3344780 (VCV003344780.1).
Genomic context (GRCh38, chr14:88,824,759, plus strand): 5'-CCGGCAGCCATGAGCTCGGAGATGGAGCCGCTGCTCCTGGCCTGGAGCTATTTTAGGCGC[AG>A]GAAGTTCCAGCTCTGCGCCGATCTATGCACGCAGATGCTGGAGAAGTCCCCTTATGACCA-3'